The following is an entry in ClinVar:

NM_001267550.2(TTN):c.105458A>T (p.Asp35153Val)

Genes: TTN (titin; minus strand), TTN-AS1 (TTN antisense RNA 1; plus strand). Cytogenetic location: 2q31.2.
Variant type: single nucleotide variant.
Coding change: c.105458A>T on transcript NM_001267550.2 (MANE Select); coding-DNA position 105458, A replaced by T.
Protein change: p.Asp35153Val; replaces aspartic acid 35153 with valine.
Molecular consequence: missense variant.
Genome position (GRCh38, 1-based): chr2:178,531,157, T>A on the plus strand (A>T on the coding strand, the complement: TTN is on the minus strand). VCF-style: chr2-178531157-T-A. GRCh37 (hg19) VCF-style: chr2-179395884-T-A.
Other names: c.100535A>T, p.Asp33512Val (NM_001256850.1); c.78263A>T, p.Asp26088Val (NM_003319.4); c.97754A>T, p.Asp32585Val (NM_133378.4); c.78638A>T, p.Asp26213Val (NM_133432.3); c.78839A>T, p.Asp26280Val (NM_133437.4); short protein forms D26088V, D26213V, D26280V, D32585V, D33512V, D35153V.
Identifiers: ClinVar variation 4072369 (VCV004072369.2).

ClinVar aggregate classification (germline): Uncertain significance. Review status: criteria provided, multiple submitters, no conflicts (2 of 4 stars). 2 submissions from 2 submitters: Uncertain significance (2). Last evaluated 2025-10-10.

Conditions:
Autosomal recessive limb-girdle muscular dystrophy type 2J (LGMDR10). Also called: Limb-girdle muscular dystrophy, type 2J; MUSCULAR DYSTROPHY, LIMB-GIRDLE, AUTOSOMAL RECESSIVE 10. Identifiers: Orphanet 140922, MedGen C1837342, MONDO:0012127, OMIM 608807.
Dilated cardiomyopathy 1G (CMD1G). Identifiers: Orphanet 154, MedGen C1858763, MONDO:0011400, OMIM 604145.

Submissions (2):

Labcorp Genetics (formerly Invitae), Labcorp
Classification: Uncertain significance for Dilated cardiomyopathy 1G; Autosomal recessive limb-girdle muscular dystrophy type 2J. Last evaluated: 2025-10-10. Review status: criteria provided, single submitter. Criteria: Invitae Variant Classification Sherloc (09022015). Collection method: clinical testing. Allele origin: germline.
Comment: This sequence change replaces aspartic acid, which is acidic and polar, with valine, which is neutral and non-polar, at codon 35153 of the TTN protein (p.Asp35153Val). This variant is not present in population databases (gnomAD no frequency). This variant has not been reported in the literature in individuals affected with TTN-related conditions. ClinVar contains an entry for this variant (Variation ID: 4072369). Experimental studies and prediction algorithms are not available or were not evaluated, and the functional significance of this variant is currently unknown. In summary, the available evidence is currently insufficient to determine the role of this variant in disease. Therefore, it has been classified as a Variant of Uncertain Significance.

IMHOTEP Cardiovascular Genetics Laboratory, University of Cape Town
Classification: Uncertain significance for Dilated cardiomyopathy 1G. Last evaluated: 2025-07-14. Review status: criteria provided, single submitter. Criteria: ACMG Guidelines, 2015. Collection method: research. Allele origin: germline. Inheritance: Autosomal unknown. Affected: yes.
Comment: Using ACMG/AMP PM1; BP4 and BP7 criteria, the classification of this variant is "Uncertain Significance".